The following is an entry in ClinVar:

ClinVar aggregate classification (germline): Uncertain significance. Review status: criteria provided, multiple submitters, no conflicts (2 of 4 stars). 2 submissions from 2 submitters: Uncertain significance (2). Last evaluated 2026-08-05.

Conditions:
Malignant hyperthermia, susceptibility to, 1 (MHS1). Also called: Anesthesia related hyperthermia; Malignant hyperpyrexia; Fulminating hyperpyrexia; Pharmacogenic myopathy; RYR1-Related Malignant Hyperthermia Susceptibility; Malignant hyperthermia suceptibility 1. Identifiers: Orphanet 423, MedGen C2930980, MONDO:0007783, OMIM 145600.
Inborn genetic diseases. Identifiers: MedGen C0950123, MeSH D030342.

Allele frequency attached by ClinVar (database versions not stated): ExAC 0.00002; gnomAD exomes below 0.00001; TOPMed 0.00001.
gnomAD v4.1: 1 of 1,613,982 alleles (0.000062%); highest among the groups gnomAD compares: Admixed American, 0.0017%; no homozygotes.

Submissions (2):

Ambry Genetics
Classification: Uncertain significance for Inborn genetic diseases. Last evaluated: 2026-08-05. Review status: criteria provided, single submitter. Criteria: Ambry Variant Classification Scheme 2023. Collection method: clinical testing. Allele origin: germline.
Comment: The c.8075A>T (p.D2692V) alteration is located in exon 51 (coding exon 51) of the RYR1 gene. This alteration results from a A to T substitution at nucleotide position 8075, causing the aspartic acid (D) at amino acid position 2692 to be replaced by a valine (V). Based on data from gnomAD, the T allele has an overall frequency of <0.001% (1/251456) total alleles studied. The highest observed frequency was 0.003% (1/34590) of Latino alleles. Based on insufficient or conflicting evidence, the clinical significance of this alteration remains unclear.

All of Us Research Program, National Institutes of Health
Classification: Uncertain significance for Malignant hyperthermia, susceptibility to, 1. Last evaluated: 2024-04-10. Review status: criteria provided, single submitter. Criteria: ACMG Guidelines, 2015. Collection method: clinical testing. Allele origin: germline. Inheritance: Autosomal dominant inheritance. Observed: 2 variant alleles, 2 heterozygotes.
Comment: This missense variant replaces aspartic acid with valine at codon 2692 of the RYR1 protein. Computational prediction suggests that this variant may have deleterious impact on protein structure and function (internally defined REVEL score threshold >= 0.7, PMID: 27666373). To our knowledge, functional studies have not been reported for this variant. This variant has not been reported in individuals affected with RYR1-related disorders in the literature. This variant has been identified in 1/251456 chromosomes in the general population by the Genome Aggregation Database (gnomAD). The available evidence is insufficient to determine the role of this variant in disease conclusively. Therefore, this variant is classified as a Variant of Uncertain Significance.

This study involves interpretation of variants in research participants for the purpose of population health screening. Participant phenotype was not available at the time of variant classification. Additional details can be found in publication PMID: 35346344, PMCID: PMC8962531

NM_000540.3(RYR1):c.8075A>T (p.Asp2692Val)

Gene: RYR1 (ryanodine receptor 1; plus strand). Cytogenetic location: 19q13.2.
Variant type: single nucleotide variant.
Coding change: c.8075A>T on transcript NM_000540.3 (MANE Select); coding-DNA position 8075, A replaced by T.
Protein change: p.Asp2692Val; replaces aspartic acid 2692 with valine.
Molecular consequence: missense variant.
Genome position (GRCh38, 1-based): chr19:38,504,755, A>T. VCF-style: chr19-38504755-A-T. GRCh37 (hg19) VCF-style: chr19-38995395-A-T.
Other names: c.8075A>T, p.Asp2692Val (NM_001042723.2); short protein forms D2692V.
Identifiers: ClinVar variation 3074461 (VCV003074461.3), dbSNP rs777903287, ClinGen allele CA071443.